The following is an entry in ClinVar:

ClinVar aggregate classification (germline): Uncertain significance. Review status: criteria provided, multiple submitters, no conflicts (2 of 4 stars). 5 submissions from 5 submitters: Uncertain significance (5). Last evaluated 2025-06-20.

Conditions:
Cardiomyopathy (CMYO). Also called: Cardiomyopathies. Identifiers: Orphanet 167848, MedGen C0878544, MONDO:0004994, HP:0001638. Inheritance: Various modes of inheritance.
Hypertrophic cardiomyopathy. Also called: HYPERTROPHIC MYOCARDIOPATHY. Identifiers: Orphanet 217569, MedGen C0007194, MeSH D002312, MONDO:0005045, HP:0001639.

Allele frequency attached by ClinVar (database versions not stated): gnomAD exomes below 0.00001; gnomAD 0.00001; ExAC 0.00001.
gnomAD v4.1: 4 of 1,613,528 alleles (0.00025%); highest among the groups gnomAD compares: Non-Finnish European, 0.00034%; no homozygotes.

Submissions (5):

Labcorp Genetics (formerly Invitae), Labcorp
Classification: Uncertain significance for Hypertrophic cardiomyopathy. Last evaluated: 2025-06-20. Review status: criteria provided, single submitter. Criteria: Invitae Variant Classification Sherloc (09022015). Collection method: clinical testing. Allele origin: germline.
Comment: This sequence change replaces alanine, which is neutral and non-polar, with threonine, which is neutral and polar, at codon 337 of the MYBPC3 protein (p.Ala337Thr). This variant is present in population databases (rs769830766, gnomAD 0.0008%). This missense change has been observed in individual(s) with dilated cardiomyopathy (PMID: 28416588, 31514951). ClinVar contains an entry for this variant (Variation ID: 922609). An algorithm developed to predict the effect of missense changes on protein structure and function (PolyPhen-2) suggests that this variant is likely to be disruptive. In summary, the available evidence is currently insufficient to determine the role of this variant in disease. Therefore, it has been classified as a Variant of Uncertain Significance.

All of Us Research Program, National Institutes of Health
Classification: Uncertain significance for Hypertrophic cardiomyopathy. Last evaluated: 2024-06-09. Review status: criteria provided, single submitter. Criteria: ACMG Guidelines, 2015. Collection method: clinical testing. Allele origin: germline. Inheritance: Autosomal dominant inheritance. Observed: 2 variant alleles, 2 heterozygotes.
Comment: This missense variant replaces alanine with threonine at codon 337 of the MYBPC3 protein. Computational prediction suggests that this variant may not impact protein structure and function (internally defined REVEL score threshold <= 0.5, PMID: 27666373). Splice site prediction tools suggest that this variant may not impact RNA splicing. To our knowledge, functional studies have not been performed for this variant. This variant has been reported in an individual affected with dilated cardiomyopathy (PMID: 28416588). This variant has been identified in 1/279410 chromosomes in the general population by the Genome Aggregation Database (gnomAD). The available evidence is insufficient to determine the role of this variant in disease conclusively. Therefore, this variant is classified as a Variant of Uncertain Significance.

This study involves interpretation of variants in research participants for the purpose of population health screening. Participant phenotype was not available at the time of variant classification. Additional details can be found in publication PMID: 35346344, PMCID: PMC8962531

Color Diagnostics, LLC DBA Color Health
Classification: Uncertain significance for Cardiomyopathy. Last evaluated: 2024-05-20. Review status: criteria provided, single submitter. Criteria: ACMG Guidelines, 2015. Collection method: clinical testing. Allele origin: germline.
Comment: This missense variant replaces alanine with threonine at codon 337 of the MYBPC3 protein. Computational prediction tools indicate that this variant's impact on protein structure and function is inconclusive. To our knowledge, functional studies have not been reported for this variant. This variant has been reported in one individual affected with dilated cardiomyopathy (PMID: 28416588, 31514951). This variant has been identified in 1/279410 chromosomes in the general population by the Genome Aggregation Database (gnomAD). The available evidence is insufficient to determine the role of this variant in disease conclusively. Therefore, this variant is classified as a Variant of Uncertain Significance.

GeneDx
Classification: Uncertain significance. Last evaluated: 2022-03-26. Review status: criteria provided, single submitter. Criteria: GeneDx Variant Classification Process June 2021. Collection method: clinical testing. Allele origin: germline. Affected: yes.
Comment: Reported in association with dilated cardiomyopathy (Dal Ferro et al., 2017); however, specific clinical information was not provided; Not observed at significant frequency in large population cohorts (gnomAD); In silico analysis supports that this missense variant has a deleterious effect on protein structure/function; This variant is associated with the following publications: (PMID: 28416588, 31514951)

CHEO Genetics Diagnostic Laboratory, Children's Hospital of Eastern Ontario
Classification: Uncertain significance for Cardiomyopathy. Last evaluated: 2022-03-22. Review status: criteria provided, single submitter. Criteria: ACMG Guidelines, 2015. Collection method: clinical testing. Allele origin: germline.

Literature cited by the submitters: PubMed 28416588 (cited by 3 submitters); PubMed 31514951 (cited by Labcorp Genetics (formerly Invitae), Labcorp and Color Diagnostics, LLC DBA Color Health).

NM_000256.3(MYBPC3):c.1009G>A (p.Ala337Thr)

Gene: MYBPC3 (myosin binding protein C3; minus strand). Cytogenetic location: 11p11.2.
Variant type: single nucleotide variant.
Coding change: c.1009G>A on transcript NM_000256.3 (MANE Select); coding-DNA position 1009, G replaced by A.
Protein change: p.Ala337Thr; replaces alanine 337 with threonine.
Molecular consequence: missense variant.
Genome position (GRCh38, 1-based): chr11:47,346,288, C>T on the plus strand (G>A on the coding strand, the complement: MYBPC3 is on the minus strand). VCF-style: chr11-47346288-C-T. GRCh37 (hg19) VCF-style: chr11-47367839-C-T.
Other names: short protein forms A337T.
Identifiers: ClinVar variation 922609 (VCV000922609.13), dbSNP rs769830766, ClinGen allele CA042017.